The following is an entry in ClinVar:

NM_001846.4(COL4A2):c.-203T>C

Genes: COL4A1 (collagen type IV alpha 1 chain; minus strand), COL4A2 (collagen type IV alpha 2 chain; plus strand). Cytogenetic location: 13q34.
Variant type: single nucleotide variant.
Coding change: c.-203T>C on transcript NM_001846.4 (MANE Select); 203 bases upstream of the start codon, T replaced by C.
Molecular consequence: 5 prime UTR variant.
Genome position (GRCh38, 1-based): chr13:110,307,370, T>C. VCF-style: chr13-110307370-T-C. GRCh37 (hg19) VCF-style: chr13-110959717-T-C.
Identifiers: ClinVar variation 311092 (VCV000311092.10), dbSNP rs7991332, ClinGen allele CA10642822.

ClinVar aggregate classification (germline): Benign. Review status: criteria provided, multiple submitters, no conflicts (2 of 4 stars). 3 submissions from 3 submitters: Benign (3). Last evaluated 2021-06-18.

Conditions:
Brain small vessel disease 2A, autosomal dominant. Also called: Porencephaly 2. Identifiers: Orphanet 2940, Orphanet 99810, MedGen C3280970, MONDO:0013773, OMIM 614483.

Allele frequency attached by ClinVar (database versions not stated): gnomAD exomes 0.29938; TOPMed 0.30407; 1000 Genomes Project 0.30611; 1000 Genomes Project 30x 0.30653; gnomAD 0.31576.

Submissions (3):

GeneDx
Classification: Benign. Last evaluated: 2021-06-18. Review status: criteria provided, single submitter. Criteria: GeneDx Variant Classification Process June 2021. Collection method: clinical testing. Allele origin: germline. Affected: yes.

Illumina Laboratory Services, Illumina
Classification: Benign for Brain small vessel disease 2A, autosomal dominant. Last evaluated: 2018-01-12. Review status: criteria provided, single submitter. Criteria: ICSL Variant Classification Criteria 13 December 2019. Collection method: clinical testing. Allele origin: germline.
Comment: This variant was observed in the ICSL laboratory as part of a predisposition screen in an ostensibly healthy population. It had not been previously curated by ICSL or reported in the Human Gene Mutation Database (HGMD: prior to June 1st, 2018), and was therefore a candidate for classification through an automated scoring system. Utilizing variant allele frequency, disease prevalence and penetrance estimates, and inheritance mode, an automated score was calculated to assess if this variant is too frequent to cause the disease. Based on the score and internal cut-off values, a variant classified as benign is not then subjected to further curation. The score for this variant resulted in a classification of benign for this disease.

Breakthrough Genomics
Classification: Benign. Review status: criteria provided, single submitter. Criteria: ACMG Guidelines, 2015. Collection method: not provided. Allele origin: germline. Inheritance: Autosomal dominant inheritance. Affected: yes.